The following is an entry in ClinVar:

ClinVar aggregate classification (germline): Conflicting classifications of pathogenicity. Review status: criteria provided, conflicting classifications (1 of 4 stars). 2 submissions from 2 submitters: Likely pathogenic (1); Uncertain significance (1). Last evaluated 2025-08-19.

Conditions:
Dyskeratosis congenita, autosomal dominant 6 (DKCA6). Identifiers: Orphanet 3322, MedGen C4225284, MONDO:0014690, OMIM 616553.

Allele frequency attached by ClinVar (database versions not stated): TOPMed 0.00004; gnomAD exomes 0.00003 and 0.00005; ExAC 0.00002; gnomAD 0.00004 and 0.00003.

Submissions (2):

Labcorp Genetics (formerly Invitae), Labcorp
Classification: Uncertain significance for Dyskeratosis congenita, autosomal dominant 6. Last evaluated: 2025-08-19. Review status: criteria provided, single submitter. Criteria: Invitae Variant Classification Sherloc (09022015). Collection method: clinical testing. Allele origin: germline.
Comment: This sequence change creates a premature translational stop signal (p.Arg46Leufs*38) in the ACD gene. It is expected to result in an absent or disrupted protein product. However, the current clinical and genetic evidence is not sufficient to establish whether loss-of-function variants in ACD cause disease. This variant is present in population databases (rs753666055, gnomAD 0.09%). This variant has not been reported in the literature in individuals affected with ACD-related conditions. ClinVar contains an entry for this variant (Variation ID: 542415). In summary, the available evidence is currently insufficient to determine the role of this variant in disease. Therefore, it has been classified as a Variant of Uncertain Significance.

Mendelics
Classification: Likely pathogenic for Dyskeratosis congenita, autosomal dominant 6. Last evaluated: 2019-05-28. Review status: criteria provided, single submitter. Criteria: Mendelics Assertion Criteria 2017. Collection method: clinical testing. Allele origin: unknown.

NC_000016.10:g.67660342del

Genes: ACD (ACD shelterin complex subunit and telomerase recruitment factor; minus strand), LOC130059224 (ATAC-STARR-seq lymphoblastoid silent region 7617; plus strand). Cytogenetic location: 16q22.1.
Variant type: Deletion.
Molecular consequence: frameshift variant (on NM_001082486.1).
Genome position: GRCh38 VCF-style: chr16-67660341-AC-A. GRCh37 (hg19) VCF-style: chr16-67694244-AC-A.
Other names: c.137delG, p.Arg46Leufs (NM_001082486.1).
Identifiers: ClinVar variation 542415 (VCV000542415.10), dbSNP rs753666055, ClinGen allele CA8114895.
Genomic context (GRCh38, chr16:67,660,341, plus strand): 5'-GCCTTTCCTCGGAAGAGGAAGCTCCTTCGCTGGGCGGGGCCGGAGGAGGAGGCCCCGCCC[AC>A]GTACACCCCGCGCCTGCGCACGAGGGCGTCCTGCTCGGGGGCCTGTGTGCAGACTCCCGC-3'